The following is an entry in ClinVar:

NM_033225.6(CSMD1):c.3033C>T (p.Gly1011=)

Gene: CSMD1 (CUB and Sushi multiple domains 1; minus strand). Cytogenetic location: 8p23.2.
Variant type: single nucleotide variant.
Coding change: c.3033C>T on transcript NM_033225.6 (MANE Select); coding-DNA position 3033, C replaced by T.
Protein change: p.Gly1011=; no amino-acid change (glycine 1011 retained).
Molecular consequence: synonymous variant.
Genome position (GRCh38, 1-based): chr8:3,367,114, G>A on the plus strand (C>T on the coding strand, the complement: CSMD1 is on the minus strand). VCF-style: chr8-3367114-G-A. GRCh37 (hg19) VCF-style: chr8-3224636-G-A.
Other names: NC_000008.10:g.3224636G>A.
Identifiers: ClinVar variation 707983 (VCV000707983.7), dbSNP rs140611844, ClinGen allele CA4608030.
Genomic context (GRCh38, chr8:3,367,114, plus strand): 5'-CTCGTACGAAATTGAGAAGTCTGATATAAACCGAAGCTGGGCAGTGAAGTTTCCAAACAG[G>A]CCTGCCTTGATCGTATGAGGCAACACCGACCCGGTGAGCCTGGCAACGGGCTCGGAAAAA-3'
Protein context (NP_150094.5, residues 1001-1021): GSVLPHTIKA[Gly1011=]LFGNFTAQLR

ClinVar aggregate classification (germline): Benign. Review status: criteria provided, single submitter (1 of 4 stars). 2 submissions from 2 submitters: Benign (1). 1 of the submissions does not count toward it. Last evaluated 2019-12-31.

Conditions:
CSMD1-related disorder. Also called: CSMD1-related condition.

Allele frequency attached by ClinVar (database versions not stated): ESP Exome Variant Server 0.00017; gnomAD 0.00073 and 0.00096; TOPMed 0.00110; ExAC 0.00210; gnomAD exomes 0.00214; 1000 Genomes Project 30x 0.00547; 1000 Genomes Project 0.00599.
gnomAD v4.1: 1,124 of 1,613,788 alleles (0.07%); highest among the groups gnomAD compares: East Asian, 2.3%; 11 homozygotes.

Submissions (3):

Labcorp Genetics (formerly Invitae), Labcorp
Classification: Benign. Last evaluated: 2019-12-31. Review status: criteria provided, single submitter. Criteria: Invitae Variant Classification Sherloc (09022015). Collection method: clinical testing. Allele origin: germline.

PreventionGenetics, part of Exact Sciences
Classification: Benign for CSMD1-related condition. Last evaluated: 2019-08-07. Review status: no assertion criteria provided. Collection method: clinical testing. Allele origin: germline. Not counted in ClinVar's aggregate classification.
Comment: This variant is classified as benign based on ACMG/AMP sequence variant interpretation guidelines (Richards et al. 2015 PMID: 25741868, with internal and published modifications).

Dr. Peter K. Rogan Lab, Western University
No classification provided (evidence only). Condition: Gastric cancer. Review status: no classification provided. Collection method: in vitro. Allele origin: not applicable. Functional consequence: retained intron. Not counted in ClinVar's aggregate classification.